The following is an entry in ClinVar:

NM_001323289.2(CDKL5):c.100-7C>T

Gene: CDKL5 (cyclin dependent kinase like 5; plus strand). Cytogenetic location: Xp22.13.
Variant type: single nucleotide variant.
Coding change: c.100-7C>T on transcript NM_001323289.2 (MANE Select); 7 bases into the intron before coding-DNA position 100, C replaced by T.
Molecular consequence: intron variant.
Genome position (GRCh38, 1-based): chrX:18,564,470, C>T. VCF-style: chrX-18564470-C-T. GRCh37 (hg19) VCF-style: chrX-18582590-C-T.
Other names: c.100-7C>T (NM_003159.3, NM_001037343.2).
Identifiers: ClinVar variation 518418 (VCV000518418.12), dbSNP rs752279222, ClinGen allele CA10360199.

ClinVar aggregate classification (germline): Conflicting classifications of pathogenicity. Review status: criteria provided, conflicting classifications (1 of 4 stars). 4 submissions from 4 submitters: Uncertain significance (1); Likely benign (1). 2 of the submissions do not count toward it. Last evaluated 2025-07-27.

Conditions:
Developmental and epileptic encephalopathy, 2 (DEE2). Also called: INFANTILE SPASM SYNDROME, X-LINKED 2; CDKL5 deficiency disorder. Identifiers: Orphanet 1934, Orphanet 3451, Orphanet 505652, MedGen C4750718, MONDO:0010396, OMIM 300672.
Angelman syndrome-like. Identifiers: MedGen CN128785.

Allele frequency attached by ClinVar (database versions not stated): gnomAD exomes 0.00002 and 0.00003; ExAC 0.00003; gnomAD 0.00004 and 0.00005; TOPMed 0.00004.
gnomAD v4.1: 28 of 1,160,292 alleles (0.0024%); highest among the groups gnomAD compares: Non-Finnish European, 0.0033%; no homozygotes.

Submissions (4):

Labcorp Genetics (formerly Invitae), Labcorp
Classification: Likely benign for Developmental and epileptic encephalopathy, 2; Angelman syndrome-like. Last evaluated: 2025-07-27. Review status: criteria provided, single submitter. Criteria: Invitae Variant Classification Sherloc (09022015). Collection method: clinical testing. Allele origin: germline.

Women's Health and Genetics/Laboratory Corporation of America, LabCorp
Classification: Uncertain significance. Last evaluated: 2024-12-10. Review status: criteria provided, single submitter. Criteria: LabCorp Variant Classification Summary - May 2015. Collection method: clinical testing. Allele origin: germline.
Comment: Variant summary: CDKL5 c.100-7C>T alters a non-conserved nucleotide located close to a canonical splice site and therefore could affect mRNA splicing, leading to a significantly altered protein sequence. Consensus agreement among computation tools predict no significant impact on normal splicing. However, these predictions have yet to be confirmed by functional studies. The variant allele was found at a frequency of 2.4e-05 in 1160292 control chromosomes in the gnomAD database, exclusively within the Non-Finnish European subpopulation at a frequency of 3.3e-05 (28 individuals). This frequency is not significantly higher than estimated for a pathogenic variant in CDKL5 causing Early Infantile Epileptic Encephalopathy 2, however, the number of control individuals with the variant suggests it is unlikely to be associated with a dominant, highly penetrant, early onset phenotype. To our knowledge, no occurrence of c.100-7C>T in individuals affected with Early Infantile Epileptic Encephalopathy 2 and no experimental evidence demonstrating its impact on protein function have been reported. ClinVar contains an entry for this variant (Variation ID: 518418). Based on the evidence outlined above, the variant was classified as VUS-possibly benign.

Diagnostic Laboratory, Department of Genetics, University Medical Center Groningen
Classification: Likely benign for Developmental and epileptic encephalopathy, 2. Review status: no assertion criteria provided. Collection method: clinical testing. Allele origin: germline. Affected: yes. Study: VKGL Data-share Consensus. Not counted in ClinVar's aggregate classification.

Genome Diagnostics Laboratory, University Medical Center Utrecht
Classification: Likely benign. Review status: no assertion criteria provided. Collection method: clinical testing. Allele origin: germline. Affected: yes. Study: VKGL Data-share Consensus. Not counted in ClinVar's aggregate classification.